The following is an entry in ClinVar:

ClinVar aggregate classification (germline): Likely benign. Review status: criteria provided, multiple submitters, no conflicts (2 of 4 stars). 3 submissions from 3 submitters: Likely benign (3). Last evaluated 2025-08-22.

Conditions:
RYR1-related disorder. Also called: RYR1-related disorders; RYR1-related condition. Identifiers: MedGen CN239331.

Allele frequency attached by ClinVar (database versions not stated): gnomAD exomes 0.00004; ExAC 0.00007; gnomAD 0.00013; TOPMed 0.00018; ESP Exome Variant Server 0.00023.
gnomAD v4.1: 31 of 1,613,670 alleles (0.0019%); highest among the groups gnomAD compares: African/African-American, 0.037%; no homozygotes.

Submissions (3):

Labcorp Genetics (formerly Invitae), Labcorp
Classification: Likely benign for RYR1-related disorder. Last evaluated: 2025-08-22. Review status: criteria provided, single submitter. Criteria: Invitae Variant Classification Sherloc (09022015). Collection method: clinical testing. Allele origin: germline.

PreventionGenetics, part of Exact Sciences
Classification: Likely benign for RYR1-related condition. Last evaluated: 2025-04-23. Review status: criteria provided, single submitter. Criteria: ACMG Guidelines, 2015. Collection method: clinical testing. Allele origin: germline.
Comment: This variant is classified as likely benign based on ACMG/AMP sequence variant interpretation guidelines (Richards et al. 2015 PMID: 25741868, with internal and published modifications).

GeneDx
Classification: Likely benign. Last evaluated: 2016-09-29. Review status: criteria provided, single submitter. Criteria: GeneDx Variant Classification (06012015). Collection method: clinical testing. Allele origin: germline. Affected: yes.
Comment: This variant is considered likely benign or benign based on one or more of the following criteria: it is a conservative change, it occurs at a poorly conserved position in the protein, it is predicted to be benign by multiple in silico algorithms, and/or has population frequency not consistent with disease.

NM_000540.3(RYR1):c.5548-19C>G

Gene: RYR1 (ryanodine receptor 1; plus strand). Cytogenetic location: 19q13.2.
Variant type: single nucleotide variant.
Coding change: c.5548-19C>G on transcript NM_000540.3 (MANE Select); 19 bases into the intron before coding-DNA position 5548, C replaced by G.
Molecular consequence: intron variant.
Genome position (GRCh38, 1-based): chr19:38,489,158, C>G. VCF-style: chr19-38489158-C-G. GRCh37 (hg19) VCF-style: chr19-38979798-C-G.
Other names: c.5548-19C>G (NM_001042723.2).
Identifiers: ClinVar variation 389349 (VCV000389349.10), dbSNP rs375020048, ClinGen allele CA067244.